The following is an entry in ClinVar:

ClinVar aggregate classification (germline): Uncertain significance (1 of 4 stars; one submission).

Conditions:
Aortic aneurysm, familial thoracic 7 (AAT7). Also called: AORTIC DISSECTION, FAMILIAL, WITH OR WITHOUT AORTIC ANEURYSM. Identifiers: MedGen C3151077, MONDO:0013418, OMIM 613780.

Allele frequency attached by ClinVar (database versions not stated): ExAC 0.00001.

Submission:

Labcorp Genetics (formerly Invitae), Labcorp
Classification: Uncertain significance for Aortic aneurysm, familial thoracic 7. Last evaluated: 2021-04-13. Review status: criteria provided, single submitter. Criteria: Invitae Variant Classification Sherloc (09022015). Collection method: clinical testing. Allele origin: germline.
Comment: In summary, the available evidence is currently insufficient to determine the role of this variant in disease. Therefore, it has been classified as a Variant of Uncertain Significance. Advanced modeling of protein sequence and biophysical properties (such as structural, functional, and spatial information, amino acid conservation, physicochemical variation, residue mobility, and thermodynamic stability) performed at Invitae indicates that this missense variant is not expected to disrupt MYLK protein function. This variant has not been reported in the literature in individuals with MYLK-related conditions. The frequency data for this variant in the population databases is considered unreliable, as metrics indicate poor data quality at this position in the ExAC database. This sequence change replaces isoleucine with phenylalanine at codon 655 of the MYLK protein (p.Ile655Phe). The isoleucine residue is highly conserved and there is a small physicochemical difference between isoleucine and phenylalanine.

NM_053025.4(MYLK):c.1963A>T (p.Ile655Phe)

Gene: MYLK (myosin light chain kinase; minus strand). Cytogenetic location: 3q21.1.
Variant type: single nucleotide variant.
Coding change: c.1963A>T on transcript NM_053025.4 (MANE Select); coding-DNA position 1963, A replaced by T.
Protein change: p.Ile655Phe; replaces isoleucine 655 with phenylalanine.
Molecular consequence: missense variant.
Genome position (GRCh38, 1-based): chr3:123,708,875, T>A on the plus strand (A>T on the coding strand, the complement: MYLK is on the minus strand). VCF-style: chr3-123708875-T-A. GRCh37 (hg19) VCF-style: chr3-123427722-T-A.
Other names: c.1435A>T, p.Ile479Phe (NM_001321309.2); c.1756A>T, p.Ile586Phe (NM_053026.4, NM_053028.4); c.1963A>T, p.Ile655Phe (NM_053027.4); short protein forms I655F, I479F, I586F.
Identifiers: ClinVar variation 1390488 (VCV001390488.6), dbSNP rs763435946, ClinGen allele CA067902.
Genomic context (GRCh38, chr3:123,708,875, plus strand): 5'-CTCTCTGTTCAAAGTGGAAGTCCTCTGACTCTTGGATCTCATTCCCATTGTGCAGCCAGA[T>A]GACTTCAGGGGGTGGATTCCCTGAACCAGGAGGAGGGGAAGGGGGATTGGTTAGGGAGGT-3'
Protein context (NP_444253.3, residues 645-665): QVSGNPPPEV[Ile655Phe]WLHNGNEIQE